The following is an entry in ClinVar:

NM_001184.4(ATR):c.6694G>A (p.Gly2232Arg)

Gene: ATR (ATR checkpoint kinase; minus strand). Cytogenetic location: 3q23.
Variant type: single nucleotide variant.
Coding change: c.6694G>A on transcript NM_001184.4 (MANE Select); coding-DNA position 6694, G replaced by A.
Protein change: p.Gly2232Arg; replaces glycine 2232 with arginine.
Molecular consequence: missense variant.
Genome position (GRCh38, 1-based): chr3:142,466,527, C>T on the plus strand (G>A on the coding strand, the complement: ATR is on the minus strand). VCF-style: chr3-142466527-C-T. GRCh37 (hg19) VCF-style: chr3-142185369-C-T.
Other names: c.6502G>A, p.Gly2168Arg (NM_001354579.2); short protein forms G2232R, G2168R.
Identifiers: ClinVar variation 1754924 (VCV001754924.2), dbSNP rs2473060768, ClinGen allele CA354802349.

ClinVar aggregate classification (germline): Uncertain significance (1 of 4 stars; one submission).

Conditions:
Inborn genetic diseases. Identifiers: MedGen C0950123, MeSH D030342.

Submission:

Ambry Genetics
Classification: Uncertain significance for Inborn genetic diseases. Last evaluated: 2022-02-05. Review status: criteria provided, single submitter. Criteria: Ambry Variant Classification Scheme 2023. Collection method: clinical testing. Allele origin: germline.
Comment: The p.G2232R variant (also known as c.6694G>A), located in coding exon 40 of the ATR gene, results from a G to A substitution at nucleotide position 6694. The glycine at codon 2232 is replaced by arginine, an amino acid with dissimilar properties. This amino acid position is conserved. In addition, this alteration is predicted to be deleterious by in silico analysis. Since supporting evidence is limited at this time, the clinical significance of this alteration remains unclear.